The following is an entry in ClinVar:

ClinVar aggregate classification (germline): Uncertain significance (1 of 4 stars; one submission).

Allele frequency attached by ClinVar (database versions not stated): gnomAD exomes below 0.00001.
gnomAD v4.1: 5 of 1,609,494 alleles (0.00031%); highest among the groups gnomAD compares: Non-Finnish European, 0.00034%; no homozygotes.

Submission:

Labcorp Genetics (formerly Invitae), Labcorp
Classification: Uncertain significance. Last evaluated: 2024-06-12. Review status: criteria provided, single submitter. Criteria: Invitae Variant Classification Sherloc (09022015). Collection method: clinical testing. Allele origin: germline.
Comment: This sequence change replaces proline, which is neutral and non-polar, with threonine, which is neutral and polar, at codon 2963 of the HMCN1 protein (p.Pro2963Thr). This variant is not present in population databases (gnomAD no frequency). This variant has not been reported in the literature in individuals affected with HMCN1-related conditions. ClinVar contains an entry for this variant (Variation ID: 2122639). An algorithm developed to predict the effect of missense changes on protein structure and function (PolyPhen-2) suggests that this variant is likely to be disruptive. In summary, the available evidence is currently insufficient to determine the role of this variant in disease. Therefore, it has been classified as a Variant of Uncertain Significance.

NM_031935.3(HMCN1):c.8887C>A (p.Pro2963Thr)

Gene: HMCN1 (hemicentin 1; plus strand). Cytogenetic location: 1q31.1.
Variant type: single nucleotide variant.
Coding change: c.8887C>A on transcript NM_031935.3 (MANE Select); coding-DNA position 8887, C replaced by A.
Protein change: p.Pro2963Thr; replaces proline 2963 with threonine.
Molecular consequence: missense variant.
Genome position (GRCh38, 1-based): chr1:186,086,248, C>A. VCF-style: chr1-186086248-C-A. GRCh37 (hg19) VCF-style: chr1-186055380-C-A.
Other names: short protein forms P2963T.
Identifiers: ClinVar variation 2122639 (VCV002122639.4), dbSNP rs963426838, ClinGen allele CA33476459.